The following is an entry in ClinVar:

ClinVar aggregate classification (germline): Benign (0 of 4 stars; one submission).

Conditions:
YTHDC2-related disorder. Also called: YTHDC2-related condition.

Submission:

PreventionGenetics, part of Exact Sciences
Classification: Benign for YTHDC2-related condition. Last evaluated: 2019-05-20. Review status: no assertion criteria provided. Collection method: clinical testing. Allele origin: germline.
Comment: This variant is classified as benign based on ACMG/AMP sequence variant interpretation guidelines (Richards et al. 2015 PMID: 25741868, with internal and published modifications).

NM_022828.5(YTHDC2):c.1689-5_1689-4dup

Gene: YTHDC2 (YTH N6-methyladenosine RNA binding protein C2; plus strand). Cytogenetic location: 5q22.2.
Variant type: Duplication.
Coding change: c.1689-5_1689-4dup on transcript NM_022828.5 (MANE Select); 5 bases into the intron before coding-DNA position 1689 through 4 bases into the intron before coding-DNA position 1689, 2 bases duplicated (TT; older notation c.1689-5_1689-4dupTT).
Molecular consequence: intron variant.
Genome position (GRCh38, 1-based): chr5:113,553,176-113,553,177, TT duplicated; duplicating any 2 consecutive bases within chr5:113,553,158-113,553,177 gives the same sequence; the c. name uses the placement nearest the transcript's 3' end. VCF-style (leftmost placement, unchanged base first): chr5-113553157-C-CTT. GRCh37 (hg19) VCF-style: chr5-112888854-C-CTT.
Other names: c.1203-5_1203-4dup (NM_001345975.2); c.789-5_789-4dup (NM_001345976.2).
Identifiers: ClinVar variation 3038560 (VCV003038560.2), dbSNP rs34053583, ClinGen allele CA3371880.
Genomic context (GRCh38, chr5:113,553,157, plus strand): 5'-GGGAATATTGGAAATTTGAAGGACATAAGGATTACTTTTGTTAATGGAAATTGACTTTGT[C>CTT]TTTTTTTTTTTTTTTTTTTTCAGTGCTACACTGGAATTTGGAAATCTAGATGAAAGTTCT-3'